The following is an entry in ClinVar:

NM_001166108.2(PALLD):c.1965-12783C>T

Gene: PALLD (palladin, cytoskeletal associated protein; plus strand). Cytogenetic location: 4q32.3.
Variant type: single nucleotide variant.
Coding change: c.1965-12783C>T on transcript NM_001166108.2 (MANE Select); 12783 bases into the intron before coding-DNA position 1965, C replaced by T.
Molecular consequence: intron variant. On other transcripts: missense variant (1).
Genome position (GRCh38, 1-based): chr4:168,878,139, C>T. VCF-style: chr4-168878139-C-T. GRCh37 (hg19) VCF-style: chr4-169799290-C-T.
Other names: c.248C>T, p.Ser83Phe (NM_001166110.2); c.1965-12783C>T (NM_016081.4); c.819-12783C>T (NM_001166109.2); c.-157-12783C>T (NM_001367570.1, NM_001367568.1, NM_001367567.1 and 1 more transcripts); short protein forms S83F.
Identifiers: ClinVar variation 3413712 (VCV003413712.1).

ClinVar aggregate classification (germline): Uncertain significance (1 of 4 stars; one submission).

gnomAD v4.1: 2 of 1,487,922 alleles (0.00013%); highest among the groups gnomAD compares: Non-Finnish European, 0.00018%; no homozygotes.

Submission:

Ambry Genetics
Classification: Uncertain significance. Last evaluated: 2024-12-02. Review status: criteria provided, single submitter. Criteria: Ambry Variant Classification Scheme 2023. Collection method: clinical testing. Allele origin: germline.
Comment: The p.S83F variant (also known as c.248C>T), located in coding exon 1 of the PALLD gene, results from a C to T substitution at nucleotide position 248. The serine at codon 83 is replaced by phenylalanine, an amino acid with highly dissimilar properties. This amino acid position is conserved. In addition, this alteration is predicted to be tolerated by in silico analysis. Based on the available evidence, the clinical significance of this variant remains unclear.